The following is an entry in ClinVar:

NM_152701.5(ABCA13):c.947G>T (p.Ser316Ile)

Gene: ABCA13 (ATP binding cassette subfamily A member 13; plus strand). Cytogenetic location: 7p12.3.
Variant type: single nucleotide variant.
Coding change: c.947G>T on transcript NM_152701.5 (MANE Select); coding-DNA position 947, G replaced by T.
Protein change: p.Ser316Ile; replaces serine 316 with isoleucine.
Molecular consequence: missense variant.
Genome position (GRCh38, 1-based): chr7:48,239,290, G>T. VCF-style: chr7-48239290-G-T. GRCh37 (hg19) VCF-style: chr7-48278887-G-T.
Other names: short protein forms S316I.
Identifiers: ClinVar variation 5040360 (VCV005040360.1).

ClinVar aggregate classification (germline): Uncertain significance (1 of 4 stars; one submission).

Submission:

CeGaT Center for Human Genetics Tuebingen
Classification: Uncertain significance. Last evaluated: 2026-08-01. Review status: criteria provided, single submitter. Criteria: CeGaT Center For Human Genetics Tuebingen Variant Classification Criteria Version 2. Collection method: clinical testing. Allele origin: germline. Affected: yes. Observed: 1 variant allele.
Comment: ABCA13: PM2, BP4